The following is an entry in ClinVar:

ClinVar aggregate classification (germline): Benign. Review status: criteria provided, multiple submitters, no conflicts (2 of 4 stars). 5 submissions from 5 submitters: Benign (5). Last evaluated 2026-02-01.

Allele frequency attached by ClinVar (database versions not stated): gnomAD exomes 0.00966; ExAC 0.01268; gnomAD 0.03731; TOPMed 0.04381; 1000 Genomes Project 0.04493; ESP Exome Variant Server 0.04676; 1000 Genomes Project 30x 0.04716.
gnomAD v4.1: 11,677 of 1,613,372 alleles (0.72%); highest among the groups gnomAD compares: African/African-American, 14%; 754 homozygotes.

Submissions (5):

Labcorp Genetics (formerly Invitae), Labcorp
Classification: Benign. Last evaluated: 2026-02-01. Review status: criteria provided, single submitter. Criteria: Invitae Variant Classification Sherloc (09022015). Collection method: clinical testing. Allele origin: germline.

Mayo Clinic Laboratories, Mayo Clinic
Classification: Benign. Last evaluated: 2022-11-13. Review status: criteria provided, single submitter. Criteria: ACMG Guidelines, 2015. Collection method: clinical testing. Allele origin: germline. Observed: 24 variant alleles.

Athena Diagnostics
Classification: Benign. Last evaluated: 2019-02-15. Review status: criteria provided, single submitter. Criteria: Athena Diagnostics Criteria. Collection method: clinical testing. Allele origin: germline.

GeneDx
Classification: Benign. Last evaluated: 2015-12-28. Review status: criteria provided, single submitter. Criteria: GeneDx Variant Classification (06012015). Collection method: clinical testing. Allele origin: germline. Affected: yes.
Comment: This variant is considered likely benign or benign based on one or more of the following criteria: it is a conservative change, it occurs at a poorly conserved position in the protein, it is predicted to be benign by multiple in silico algorithms, and/or has population frequency not consistent with disease.

Breakthrough Genomics
Classification: Benign. Review status: criteria provided, single submitter. Criteria: ACMG Guidelines, 2015. Collection method: not provided. Allele origin: germline. Inheritance: Autosomal recessive inheritance. Affected: yes.

NM_024678.6(NARS2):c.306A>G (p.Pro102=)

Gene: NARS2 (asparaginyl-tRNA synthetase 2, mitochondrial; minus strand). Cytogenetic location: 11q14.1.
Variant type: single nucleotide variant.
Coding change: c.306A>G on transcript NM_024678.6 (MANE Select); coding-DNA position 306, A replaced by G.
Protein change: p.Pro102=; no amino-acid change (proline 102 retained).
Molecular consequence: synonymous variant. On other transcripts: 5 prime UTR variant (1).
Genome position (GRCh38, 1-based): chr11:78,568,698, T>C on the plus strand (A>G on the coding strand, the complement: NARS2 is on the minus strand). VCF-style: chr11-78568698-T-C. GRCh37 (hg19) VCF-style: chr11-78279744-T-C.
Other names: p.Pro102=; c.-376A>G (NM_001243251.2).
Identifiers: ClinVar variation 382080 (VCV000382080.12), dbSNP rs60510975, ClinGen allele CA6205887.